The following is an entry in ClinVar:

ClinVar aggregate classification (germline): Uncertain significance (1 of 4 stars; one submission).

Conditions:
Spastic paraplegia 88, autosomal dominant. Identifiers: MedGen C5774247, MONDO:0859309, OMIM 620106.

Submission:

Juno Genomics, Hangzhou Juno Genomics, Inc
Classification: Uncertain significance for Spastic paraplegia 88, autosomal dominant. Review status: criteria provided, single submitter. Criteria: ACMG Guidelines, 2015. Collection method: clinical testing. Allele origin: germline. Affected: yes.
Comment: Absent from controls (or at extremely low frequency if recessive) in Genome Aggregation Database, Exome Sequencing Project, 1000 Genomes Project, or Exome Aggregation Consortium.;Multiple lines of computational evidence support a deleterious effect on the gene or gene product (conservation, evolutionary, splicing impact, etc).;Missense variant in a gene that has a low rate of benign missense variation and where missense variants are a common mechanism of disease.;Patient's phenotype or family history is highly specific for a disease with a single genetic etiology.

NM_002267.4(KPNA3):c.368T>G (p.Leu123Arg)

Gene: KPNA3 (karyopherin subunit alpha 3; minus strand). Cytogenetic location: 13q14.2.
Variant type: single nucleotide variant.
Coding change: c.368T>G on transcript NM_002267.4 (MANE Select); coding-DNA position 368, T replaced by G.
Protein change: p.Leu123Arg; replaces leucine 123 with arginine.
Molecular consequence: missense variant.
Genome position (GRCh38, 1-based): chr13:49,732,386, A>C on the plus strand (T>G on the coding strand, the complement: KPNA3 is on the minus strand). VCF-style: chr13-49732386-A-C. GRCh37 (hg19) VCF-style: chr13-50306522-A-C.
Other names: short protein forms L123R.
Identifiers: ClinVar variation 3382490 (VCV003382490.2).